The following is an entry in ClinVar:

NM_015021.3(ZNF292):c.2420A>C (p.Tyr807Ser)

Gene: ZNF292 (zinc finger protein 292; plus strand). Cytogenetic location: 6q14.3.
Variant type: single nucleotide variant.
Coding change: c.2420A>C on transcript NM_015021.3 (MANE Select); coding-DNA position 2420, A replaced by C.
Protein change: p.Tyr807Ser; replaces tyrosine 807 with serine.
Molecular consequence: missense variant.
Genome position (GRCh38, 1-based): chr6:87,256,049, A>C. VCF-style: chr6-87256049-A-C. GRCh37 (hg19) VCF-style: chr6-87965767-A-C.
Other names: c.2000A>C, p.Tyr667Ser (NM_001351444.2); short protein forms Y667S, Y807S.
Identifiers: ClinVar variation 4527918 (VCV004527918.1).
Genomic context (GRCh38, chr6:87,256,049, plus strand): 5'-GAAGAATTTTTTCGGAAGCTTATTTACTATATGATCATGAAGCACAACATTATAATACGT[A>C]CACTTGTAAGTTCACAGGTTGTGGTAAAGTTTATCGTTCTCAGGGTGAGCTGGAAAAGCA-3'
Protein context (NP_055836.1, residues 797-817): YDHEAQHYNT[Tyr807Ser]TCKFTGCGKV

ClinVar aggregate classification (germline): Uncertain significance (1 of 4 stars; one submission).

Submission:

GeneDx
Classification: Uncertain significance. Last evaluated: 2025-04-30. Review status: criteria provided, single submitter. Criteria: GeneDx Variant Classification Process June 2021. Collection method: clinical testing. Allele origin: germline. Affected: yes.
Comment: Not observed at significant frequency in large population cohorts (gnomAD); In silico analysis supports that this missense variant has a deleterious effect on protein structure/function; Has not been previously published as pathogenic or benign to our knowledge